The following is an entry in ClinVar:

ClinVar aggregate classification (germline): Uncertain significance (1 of 4 stars; one submission).

Submission:

Labcorp Genetics (formerly Invitae), Labcorp
Classification: Uncertain significance. Last evaluated: 2023-04-07. Review status: criteria provided, single submitter. Criteria: Invitae Variant Classification Sherloc (09022015). Collection method: clinical testing. Allele origin: germline.
Comment: Advanced modeling of protein sequence and biophysical properties (such as structural, functional, and spatial information, amino acid conservation, physicochemical variation, residue mobility, and thermodynamic stability) performed at Invitae indicates that this missense variant is not expected to disrupt OPA1 protein function. In summary, the available evidence is currently insufficient to determine the role of this variant in disease. Therefore, it has been classified as a Variant of Uncertain Significance. This variant has not been reported in the literature in individuals affected with OPA1-related conditions. This variant is not present in population databases (gnomAD no frequency). This sequence change replaces glutamine, which is neutral and polar, with histidine, which is basic and polar, at codon 642 of the OPA1 protein (p.Gln642His).

NM_130837.3(OPA1):c.2091G>C (p.Gln697His)

Gene: OPA1 (OPA1 mitochondrial dynamin like GTPase; plus strand). Cytogenetic location: 3q29.
Variant type: single nucleotide variant.
Coding change: c.2091G>C on transcript NM_130837.3 (MANE Select); coding-DNA position 2091, G replaced by C.
Protein change: p.Gln697His; replaces glutamine 697 with histidine.
Molecular consequence: missense variant.
Genome position (GRCh38, 1-based): chr3:193,654,940, G>C. VCF-style: chr3-193654940-G-C. GRCh37 (hg19) VCF-style: chr3-193372729-G-C.
Other names: c.1557G>C, p.Gln519His (NM_001354663.2); c.1554G>C, p.Gln518His (NM_001354664.2); c.1926G>C, p.Gln642His (NM_015560.3); c.1818G>C, p.Gln606His (NM_130831.3); c.1872G>C, p.Gln624His (NM_130832.3); c.1929G>C, p.Gln643His (NM_130833.3); c.1980G>C, p.Gln660His (NM_130834.3); c.1983G>C, p.Gln661His (NM_130835.3); and 1 more; short protein forms Q606H, Q643H, Q697H, Q519H, Q624H, Q642H, Q661H, Q518H.
Identifiers: ClinVar variation 2853358 (VCV002853358.3), dbSNP rs2475017893, ClinGen allele CA355791139.